The following is an entry in ClinVar:

ClinVar aggregate classification (germline): Uncertain significance (1 of 4 stars; one submission).

Conditions:
Deficiency of phosphoserine phosphatase (PSPHD). Also called: Phosphoserine phosphatase deficiency; PSPH deficiency. Identifiers: Orphanet 79350, MedGen C1291463, MONDO:0013531, OMIM 614023.

Submission:

Labcorp Genetics (formerly Invitae), Labcorp
Classification: Uncertain significance for Deficiency of phosphoserine phosphatase. Last evaluated: 2021-08-16. Review status: criteria provided, single submitter. Criteria: Invitae Variant Classification Sherloc (09022015). Collection method: clinical testing. Allele origin: germline.
Comment: This variant is not present in population databases (ExAC no frequency). In summary, the available evidence is currently insufficient to determine the role of this variant in disease. Therefore, it has been classified as a Variant of Uncertain Significance. Experimental studies and prediction algorithms are not available or were not evaluated, and the functional significance of this variant is currently unknown. This variant has not been reported in the literature in individuals affected with PSPH-related conditions. This variant, c.306_307insTTC, results in the insertion of 1 amino acid(s) to the PSPH protein (p.Asn102_Val103insPhe), but otherwise preserves the integrity of the reading frame.

NM_004577.4(PSPH):c.306_307insTTC (p.Asn102_Val103insPhe)

Gene: PSPH (phosphoserine phosphatase; minus strand). Cytogenetic location: 7p11.2.
Variant type: Insertion.
Coding change: c.306_307insTTC on transcript NM_004577.4 (MANE Select); coding-DNA positions 306 to 307, TTC inserted.
Protein change: p.Asn102_Val103insPhe.
Molecular consequence: inframe insertion.
Genome position: GRCh38 VCF-style: chr7-56017348-C-CGAA. GRCh37 (hg19) VCF-style: chr7-56085041-C-CGAA.
Other names: c.306_307insTTC, p.Asn102_Val103insPhe (NM_001370503.1, NM_001370504.1, NM_001370505.1 and 17 more transcripts).
Identifiers: ClinVar variation 1346537 (VCV001346537.6), dbSNP rs2116568545, ClinGen allele CA2573142331.